The following is an entry in ClinVar:

ClinVar aggregate classification (germline): Uncertain significance (1 of 4 stars; one submission).

Conditions:
Tuberous sclerosis 2 (TSC2). Identifiers: Orphanet 805, MedGen C1860707, MONDO:0013199, OMIM 613254.

gnomAD v4.1: 1 of 1,612,648 alleles (0.000062%); highest among the groups gnomAD compares: East Asian, 0.0022%; no homozygotes.

Submission:

Labcorp Genetics (formerly Invitae), Labcorp
Classification: Uncertain significance for Tuberous sclerosis 2. Last evaluated: 2022-05-01. Review status: criteria provided, single submitter. Criteria: Invitae Variant Classification Sherloc (09022015). Collection method: clinical testing. Allele origin: germline.
Comment: In summary, the available evidence is currently insufficient to determine the role of this variant in disease. Therefore, it has been classified as a Variant of Uncertain Significance. RNA analysis performed to evaluate the impact of this missense change on mRNA splicing indicates it does not significantly alter splicing (Invitae). Algorithms developed to predict the effect of missense changes on protein structure and function are either unavailable or do not agree on the potential impact of this missense change (SIFT: "Tolerated"; PolyPhen-2: "Probably Damaging"; Align-GVGD: "Class C0"). This variant has not been reported in the literature in individuals affected with TSC2-related conditions. This variant is not present in population databases (gnomAD no frequency). This sequence change replaces aspartic acid, which is acidic and polar, with glutamic acid, which is acidic and polar, at codon 1690 of the TSC2 protein (p.Asp1690Glu).

NM_000548.5(TSC2):c.5070C>G (p.Asp1690Glu)

Gene: TSC2 (TSC complex subunit 2; plus strand). Cytogenetic location: 16p13.3.
Variant type: single nucleotide variant.
Coding change: c.5070C>G on transcript NM_000548.5 (MANE Select); coding-DNA position 5070, C replaced by G.
Protein change: p.Asp1690Glu; replaces aspartic acid 1690 with glutamic acid.
Molecular consequence: missense variant.
Genome position (GRCh38, 1-based): chr16:2,088,049, C>G. VCF-style: chr16-2088049-C-G. GRCh37 (hg19) VCF-style: chr16-2138050-C-G.
Other names: c.4962C>G, p.Asp1654Glu (NM_001406667.1); c.4959C>G, p.Asp1653Glu (NM_001406668.1); c.4890C>G, p.Asp1630Glu (NM_001406670.1); c.4860C>G, p.Asp1620Glu (NM_001406671.1); c.4857C>G, p.Asp1619Glu (NM_001406673.1); c.4854C>G, p.Asp1618Glu (NM_001406675.1); c.4851C>G, p.Asp1617Glu (NM_001406676.1); c.4812C>G, p.Asp1604Glu (NM_001406677.1); and 26 more; short protein forms D1176E, D1467E, D1664E, D1089E, D1424E, D1470E, D1490E, D1619E.
Identifiers: ClinVar variation 2122362 (VCV002122362.4), dbSNP rs1596457380, ClinGen allele CA394311887.
Genomic context (GRCh38, chr16:2,088,049, plus strand): 5'-GGGCCCTGCAGTGTGGCGCCAAGAGCCCTGGGCCTGGCGTGACCACCAAGTCTCCCCAGA[C>G]ATGGAGGGCCTTGTGGACACCAGCGTGGCCAAGATCGTGTCTGACCGCAACCTGCCCTTC-3'
Protein context (NP_000539.2, residues 1680-1700): CNLVSLQCRK[Asp1690Glu]MEGLVDTSVA